The following is an entry in ClinVar:

ClinVar aggregate classification (germline): Conflicting classifications of pathogenicity. Review status: criteria provided, conflicting classifications (1 of 4 stars). 2 submissions from 2 submitters: Uncertain significance (1); Likely benign (1). Last evaluated 2024-09-20.

Conditions:
Mitochondrial myopathy-lactic acidosis-deafness syndrome. Identifiers: Orphanet 2597, MedGen C1855033, MONDO:0016825, OMIM 251950.
Inborn genetic diseases. Identifiers: MedGen C0950123, MeSH D030342.

Allele frequency attached by ClinVar (database versions not stated): gnomAD 0.00003; ExAC 0.00007; 1000 Genomes Project 30x 0.00016; 1000 Genomes Project 0.00020.
gnomAD v4.1: 103 of 1,613,430 alleles (0.0064%); highest among the groups gnomAD compares: East Asian, 0.23%; no homozygotes.

Submissions (2):

3billion
Classification: Likely benign for Mitochondrial myopathy-lactic acidosis-deafness syndrome. Last evaluated: 2024-09-20. Review status: criteria provided, single submitter. Criteria: ACMG Guidelines, 2015. Collection method: clinical testing. Allele origin: germline. Affected: no.
Comment: The homozygous variant was found in patients diagnosed with another variant in a different gene, with no symptoms related to the gene containing the homozygous variant.

Ambry Genetics
Classification: Uncertain significance for Inborn genetic diseases. Last evaluated: 2021-07-08. Review status: criteria provided, single submitter. Criteria: Ambry Variant Classification Scheme 2023. Collection method: clinical testing. Allele origin: germline.

NM_001256007.3(PNPLA8):c.1996G>C (p.Asp666His)

Gene: PNPLA8 (patatin like domain 8, phospholipase A2; minus strand). Cytogenetic location: 7q31.1.
Variant type: single nucleotide variant.
Coding change: c.1996G>C on transcript NM_001256007.3 (MANE Select); coding-DNA position 1996, G replaced by C.
Protein change: p.Asp666His; replaces aspartic acid 666 with histidine.
Molecular consequence: missense variant.
Genome position (GRCh38, 1-based): chr7:108,479,262, C>G on the plus strand (G>C on the coding strand, the complement: PNPLA8 is on the minus strand). VCF-style: chr7-108479262-C-G. GRCh37 (hg19) VCF-style: chr7-108119706-C-G.
Other names: c.1996G>C, p.Asp666His (NM_001256008.3, NM_015723.5); c.1810G>C, p.Asp604His (NM_001256009.3); c.1696G>C, p.Asp566His (NM_001256010.3, NM_001256011.3); short protein forms D604H, D666H, D566H.
Identifiers: ClinVar variation 2231916 (VCV002231916.3), dbSNP rs200683131, ClinGen allele CA4439406.